The following is an entry in ClinVar:

ClinVar aggregate classification (germline): Uncertain significance (1 of 4 stars; one submission).

Conditions:
Immunodeficiency. Identifiers: MedGen C0021051, MONDO:0021094, HP:0002721.

Allele frequency attached by ClinVar (database versions not stated): gnomAD exomes below 0.00001; TOPMed below 0.00001; gnomAD 0.00002.
gnomAD v4.1: 4 of 1,614,026 alleles (0.00025%); highest among the groups gnomAD compares: African/African-American, 0.004%; no homozygotes.

Submission:

Labcorp Genetics (formerly Invitae), Labcorp
Classification: Uncertain significance for Immunodeficiency. Last evaluated: 2022-04-13. Review status: criteria provided, single submitter. Criteria: Invitae Variant Classification Sherloc (09022015). Collection method: clinical testing. Allele origin: germline.
Comment: This variant has not been reported in the literature in individuals affected with NFAT5-related conditions. This variant is present in population databases (no rsID available, gnomAD 0.02%). This sequence change replaces valine, which is neutral and non-polar, with isoleucine, which is neutral and non-polar, at codon 1163 of the NFAT5 protein (p.Val1163Ile). In summary, the available evidence is currently insufficient to determine the role of this variant in disease. Therefore, it has been classified as a Variant of Uncertain Significance. Algorithms developed to predict the effect of missense changes on protein structure and function are either unavailable or do not agree on the potential impact of this missense change (SIFT: "Tolerated"; PolyPhen-2: "Probably Damaging"; Align-GVGD: "Class C0").

NM_138713.4(NFAT5):c.3769G>A (p.Val1257Ile)

Gene: NFAT5 (nuclear factor of activated T cells 5; plus strand). Cytogenetic location: 16q22.1.
Variant type: single nucleotide variant.
Coding change: c.3769G>A on transcript NM_138713.4 (MANE Select); coding-DNA position 3769, G replaced by A.
Protein change: p.Val1257Ile; replaces valine 1257 with isoleucine.
Molecular consequence: missense variant.
Genome position (GRCh38, 1-based): chr16:69,693,594, G>A. VCF-style: chr16-69693594-G-A. GRCh37 (hg19) VCF-style: chr16-69727497-G-A.
Other names: c.3766G>A, p.Val1256Ile (NM_001113178.3); c.3094G>A, p.Val1032Ile (NM_001367709.1); c.3715G>A, p.Val1239Ile (NM_006599.4); c.3487G>A, p.Val1163Ile (NM_138714.4, NM_173214.3, NM_173215.3); short protein forms V1256I, V1257I, V1032I, V1163I, V1239I.
Identifiers: ClinVar variation 1500622 (VCV001500622.8), dbSNP rs1378468301, ClinGen allele CA396513743.